The following is an entry in ClinVar:

NM_015335.5(MED13L):c.5235A>G (p.Gln1745=)

Gene: MED13L (mediator complex subunit 13L; minus strand). Cytogenetic location: 12q24.21.
Variant type: single nucleotide variant.
Coding change: c.5235A>G on transcript NM_015335.5 (MANE Select); coding-DNA position 5235, A replaced by G.
Protein change: p.Gln1745=; no amino-acid change (glutamine 1745 retained).
Molecular consequence: synonymous variant.
Genome position (GRCh38, 1-based): chr12:115,980,879, T>C on the plus strand (A>G on the coding strand, the complement: MED13L is on the minus strand). VCF-style: chr12-115980879-T-C. GRCh37 (hg19) VCF-style: chr12-116418684-T-C.
Other names: c.5235A>G (NM_015335.4).
Identifiers: ClinVar variation 2643360 (VCV002643360.26), dbSNP rs766326918, ClinGen allele CA6810631.

ClinVar aggregate classification (germline): Likely benign. Review status: criteria provided, multiple submitters, no conflicts (2 of 4 stars). 3 submissions from 3 submitters: Likely benign (3). Last evaluated 2026-08-31.

Conditions:
MED13L-related disorder. Also called: MED13L-related condition.
Dextro-looped transposition of the great arteries. Also called: Dextrotransposition of the great arteries. Identifiers: Orphanet 860, MedGen C3531771, MONDO:0019443, OMIM 608808, HP:0031348.

Allele frequency attached by ClinVar (database versions not stated): gnomAD exomes below 0.00001; ExAC 0.00001; gnomAD 0.00001; TOPMed 0.00001.
gnomAD v4.1: 8 of 1,613,600 alleles (0.0005%); highest among the groups gnomAD compares: Middle Eastern, 0.017%; no homozygotes.

Submissions (3):

PreventionGenetics, part of Exact Sciences
Classification: Likely benign for MED13L-related condition. Last evaluated: 2026-08-31. Review status: criteria provided, single submitter. Criteria: ACMG Guidelines, 2015. Collection method: clinical testing. Allele origin: germline.
Comment: This variant is classified as likely benign based on ACMG/AMP sequence variant interpretation guidelines (Richards et al. 2015 PMID: 25741868, with internal and published modifications).

Labcorp Genetics (formerly Invitae), Labcorp
Classification: Likely benign for Dextro-looped transposition of the great arteries. Last evaluated: 2024-10-23. Review status: criteria provided, single submitter. Criteria: Invitae Variant Classification Sherloc (09022015). Collection method: clinical testing. Allele origin: germline.

CeGaT Center for Human Genetics Tuebingen
Classification: Likely benign. Last evaluated: 2023-06-01. Review status: criteria provided, single submitter. Criteria: CeGaT Center For Human Genetics Tuebingen Variant Classification Criteria Version 2. Collection method: clinical testing. Allele origin: germline. Affected: yes. Observed: 1 variant allele.
Comment: MED13L: BP4, BP7